The following is an entry in ClinVar:

NM_000632.4(ITGAM):c.2903G>C (p.Ser968Thr)

Gene: ITGAM (integrin subunit alpha M; plus strand). Cytogenetic location: 16p11.2.
Variant type: single nucleotide variant.
Coding change: c.2903G>C on transcript NM_000632.4 (MANE Select); coding-DNA position 2903, G replaced by C.
Protein change: p.Ser968Thr; replaces serine 968 with threonine.
Molecular consequence: missense variant.
Genome position (GRCh38, 1-based): chr16:31,329,832, G>C. VCF-style: chr16-31329832-G-C. GRCh37 (hg19) VCF-style: chr16-31341153-G-C.
Other names: c.2906G>C, p.Ser969Thr (NM_001145808.2); short protein forms S968T, S969T.
Identifiers: ClinVar variation 2793437 (VCV002793437.3), dbSNP rs2080556384, ClinGen allele CA395699373.

ClinVar aggregate classification (germline): Uncertain significance (1 of 4 stars; one submission).

Submission:

Labcorp Genetics (formerly Invitae), Labcorp
Classification: Uncertain significance. Last evaluated: 2022-12-24. Review status: criteria provided, single submitter. Criteria: Invitae Variant Classification Sherloc (09022015). Collection method: clinical testing. Allele origin: germline.
Comment: This variant has not been reported in the literature in individuals affected with ITGAM-related conditions. This variant is not present in population databases (gnomAD no frequency). This sequence change replaces serine, which is neutral and polar, with threonine, which is neutral and polar, at codon 968 of the ITGAM protein (p.Ser968Thr). Algorithms developed to predict the effect of missense changes on protein structure and function output the following: SIFT: "Deleterious"; PolyPhen-2: "Benign"; Align-GVGD: "Class C55". The threonine amino acid residue is found in multiple mammalian species, which suggests that this missense change does not adversely affect protein function. In summary, the available evidence is currently insufficient to determine the role of this variant in disease. Therefore, it has been classified as a Variant of Uncertain Significance.